The following is an entry in ClinVar:

NM_001723.7(DST):c.5994G>T (p.Arg1998Ser)

Gene: DST (dystonin; minus strand). Cytogenetic location: 6p12.1.
Variant type: single nucleotide variant.
Coding change: c.5994G>T on transcript NM_001723.7 (MANE Plus Clinical); coding-DNA position 5994, G replaced by T.
Protein change: p.Arg1998Ser; replaces arginine 1998 with serine.
Molecular consequence: missense variant. On other transcripts: intron variant (10).
Genome position (GRCh38, 1-based): chr6:56,618,040, C>A on the plus strand (G>T on the coding strand, the complement: DST is on the minus strand). VCF-style: chr6-56618040-C-A. GRCh37 (hg19) VCF-style: chr6-56482838-C-A.
Other names: c.4831-3556G>T (NM_001144769.5); c.4930-3556G>T (NM_001374722.1, NM_001374736.1); c.4957-3556G>T (NM_001374734.1); c.4417-3556G>T (NM_001144770.2); c.4297-3556G>T (NM_001374730.1, NM_001386100.1, NM_183380.4 and 1 more transcripts); c.3319-3556G>T (NM_015548.5); short protein forms R1998S.
Identifiers: ClinVar variation 1503490 (VCV001503490.8), dbSNP rs2152733455, ClinGen allele CA364566128.

ClinVar aggregate classification (germline): Uncertain significance (1 of 4 stars; one submission).

Conditions:
Hereditary sensory and autonomic neuropathy type 6. Also called: Neuropathy, hereditary sensory and autonomic, type VI; HSAN VI. Identifiers: Orphanet 314381, MedGen C3539003, MONDO:0013839, OMIM 614653.
Epidermolysis bullosa simplex 3, localized or generalized intermediate, with BP230 deficiency (EBS3). Also called: Epidermolysis bullosa simplex due to BP230 deficiency; Epidermolysis bullosa simplex, autosomal recessive 2. Identifiers: Orphanet 412181, MedGen C3809470, MONDO:0014180, OMIM 615425.

Submission:

Labcorp Genetics (formerly Invitae), Labcorp
Classification: Uncertain significance for Epidermolysis bullosa simplex 3, localized or generalized intermediate, with BP230 deficiency; Hereditary sensory and autonomic neuropathy type 6. Last evaluated: 2021-07-04. Review status: criteria provided, single submitter. Criteria: Invitae Variant Classification Sherloc (09022015). Collection method: clinical testing. Allele origin: germline.
Comment: In summary, the available evidence is currently insufficient to determine the role of this variant in disease. Therefore, it has been classified as a Variant of Uncertain Significance. Algorithms developed to predict the effect of missense changes on protein structure and function (SIFT, PolyPhen-2, Align-GVGD) all suggest that this variant is likely to be tolerated. This variant has not been reported in the literature in individuals affected with DST-related conditions. This variant is not present in population databases (ExAC no frequency). This sequence change replaces arginine with serine at codon 1998 of the DST protein (p.Arg1998Ser). The arginine residue is weakly conserved and there is a moderate physicochemical difference between arginine and serine.